The following is an entry in ClinVar:

ClinVar aggregate classification (germline): Likely benign (1 of 4 stars; one submission).

gnomAD v4.1: 6 of 1,594,056 alleles (0.00038%); highest among the groups gnomAD compares: Non-Finnish European, 0.00043%; no homozygotes.

Submission:

CeGaT Center for Human Genetics Tuebingen
Classification: Likely benign. Last evaluated: 2025-09-01. Review status: criteria provided, single submitter. Criteria: CeGaT Center For Human Genetics Tuebingen Variant Classification Criteria Version 2. Collection method: clinical testing. Allele origin: germline. Affected: yes. Observed: 1 variant allele.
Comment: CACNA1G: BP4, BP7

NM_018896.5(CACNA1G):c.6948C>G (p.Pro2316=)

Gene: CACNA1G (calcium voltage-gated channel subunit alpha1 G; plus strand). Cytogenetic location: 17q21.33.
Variant type: single nucleotide variant.
Coding change: c.6948C>G on transcript NM_018896.5 (MANE Select); coding-DNA position 6948, C replaced by G.
Protein change: p.Pro2316=; no amino-acid change (proline 2316 retained).
Molecular consequence: synonymous variant. On other transcripts: non-coding transcript variant (5).
Genome position (GRCh38, 1-based): chr17:50,626,565, C>G. VCF-style: chr17-50626565-C-G. GRCh37 (hg19) VCF-style: chr17-48703926-C-G.
Other names: c.6759C>G, p.Pro2253= (NM_001256324.2); c.6690C>G, p.Pro2230= (NM_001256325.2); c.6678C>G, p.Pro2226= (NM_001256326.2); c.6648C>G, p.Pro2216= (NM_001256327.2); c.6594C>G, p.Pro2198= (NM_001256328.2); c.6567C>G, p.Pro2189= (NM_001256329.2, NM_198387.3); c.6534C>G, p.Pro2178= (NM_001256330.2); c.6513C>G, p.Pro2171= (NM_001256331.2); and 18 more.
Identifiers: ClinVar variation 4281315 (VCV004281315.7).